The following is an entry in ClinVar:

NM_000352.6(ABCC8):c.1997T>G (p.Leu666Arg)

Gene: ABCC8 (ATP binding cassette subfamily C member 8; minus strand). Cytogenetic location: 11p15.1.
Variant type: single nucleotide variant.
Coding change: c.1997T>G on transcript NM_000352.6 (MANE Select); coding-DNA position 1997, T replaced by G.
Protein change: p.Leu666Arg; replaces leucine 666 with arginine.
Molecular consequence: missense variant. On other transcripts: non-coding transcript variant (1).
Genome position (GRCh38, 1-based): chr11:17,428,332, A>C on the plus strand (T>G on the coding strand, the complement: ABCC8 is on the minus strand). VCF-style: chr11-17428332-A-C. GRCh37 (hg19) VCF-style: chr11-17449879-A-C.
Other names: c.1997T>G, p.Leu666Arg (NM_001287174.3); c.2063T>G, p.Leu688Arg (NM_001351295.2); c.1994T>G, p.Leu665Arg (NM_001351296.2, NM_001351297.2); short protein forms L666R, L665R, L688R.
Identifiers: ClinVar variation 3128838 (VCV003128838.2), dbSNP rs200670709, ClinGen allele CA218441395.

ClinVar aggregate classification (germline): Uncertain significance. Review status: criteria provided, multiple submitters, no conflicts (2 of 4 stars). 2 submissions from 2 submitters: Uncertain significance (2). Last evaluated 2024-03-14.

Conditions:
Inborn genetic diseases. Identifiers: MedGen C0950123, MeSH D030342.
Pulmonary arterial hypertension. Identifiers: Orphanet 182090, MedGen C2973725, MeSH D000081029, MONDO:0015924, HP:0002092.

Allele frequency attached by ClinVar (database versions not stated): gnomAD 0.00003; TOPMed 0.00003; 1000 Genomes Project 0.00020; 1000 Genomes Project 30x 0.00031.
gnomAD v4.1: 8 of 1,614,192 alleles (0.0005%); highest among the groups gnomAD compares: Non-Finnish European, 0.00068%; no homozygotes.

Submissions (2):

Johns Hopkins Genomics, Johns Hopkins University
Classification: Uncertain significance for Pulmonary arterial hypertension. Last evaluated: 2024-03-14. Review status: criteria provided, single submitter. Criteria: ACMG Guidelines, 2015. Collection method: clinical testing. Allele origin: germline.
Comment: This ABCC8 missense variant (rs200670709) is rare (<0.1%) in a large population dataset (gnomAD v4.0.0: 8/1614192 total alleles; 0.0005%; no homozygotes). It has not been reported in ClinVar, nor the literature, to our knowledge. Two bioinformatic tools queried predict that this substitution would be tolerated, and the leucine residue at this position is evolutionarily conserved across many of the species assessed. We consider the clinical significance of c.1997T>G in ABCC8 to be uncertain at this time.

Ambry Genetics
Classification: Uncertain significance for Inborn genetic diseases. Last evaluated: 2024-03-04. Review status: criteria provided, single submitter. Criteria: Ambry Variant Classification Scheme 2023. Collection method: clinical testing. Allele origin: germline.